The following is an entry in ClinVar:

ClinVar aggregate classification (germline): Uncertain significance (1 of 4 stars; one submission).

Submission:

GeneDx
Classification: Uncertain significance. Last evaluated: 2022-12-15. Review status: criteria provided, single submitter. Criteria: GeneDx Variant Classification Process June 2021. Collection method: clinical testing. Allele origin: germline. Affected: yes.
Comment: Not observed at significant frequency in large population cohorts (gnomAD); In silico analysis supports that this missense variant has a deleterious effect on protein structure/function; Has not been previously published as pathogenic or benign to our knowledge

NM_001163809.2(WDR81):c.5743A>C (p.Thr1915Pro)

Gene: WDR81 (WD repeat domain 81; plus strand). Cytogenetic location: 17p13.3.
Variant type: single nucleotide variant.
Coding change: c.5743A>C on transcript NM_001163809.2 (MANE Select); coding-DNA position 5743, A replaced by C.
Protein change: p.Thr1915Pro; replaces threonine 1915 with proline.
Molecular consequence: missense variant.
Genome position (GRCh38, 1-based): chr17:1,737,602, A>C. VCF-style: chr17-1737602-A-C. GRCh37 (hg19) VCF-style: chr17-1640896-A-C.
Other names: c.2134A>C, p.Thr712Pro (NM_001163673.2); c.2062A>C, p.Thr688Pro (NM_001163811.2); c.2590A>C, p.Thr864Pro (NM_152348.4); short protein forms T1915P, T688P, T712P, T864P.
Identifiers: ClinVar variation 2506718 (VCV002506718.1), dbSNP rs1904996812, ClinGen allele CA397556199.